The following is an entry in ClinVar:

ClinVar aggregate classification (germline): Likely pathogenic. Review status: criteria provided, single submitter (1 of 4 stars). 2 submissions from 2 submitters: Likely pathogenic (1). 1 of the submissions does not count toward it. Last evaluated 2025-11-11.

Conditions:
Familial long QT syndrome (RWS). Also called: Congenital long QT syndrome; Romano-Ward syndrome; VENTRICULAR FIBRILLATION WITH PROLONGED QT INTERVAL. Identifiers: Orphanet 768, MedGen C1141890, MONDO:0019171.
Long QT syndrome (LQTS). Identifiers: MedGen C0023976, MeSH D008133, MONDO:0002442. Disease mechanism: loss of function. Inheritance: Various modes of inheritance.

Allele frequency attached by ClinVar (database versions not stated): gnomAD 0.00001.
gnomAD v4.1: 2 of 1,613,344 alleles (0.00012%); highest among the groups gnomAD compares: Admixed American, 0.0017%; no homozygotes.

Submissions (2):

Labcorp Genetics (formerly Invitae), Labcorp
Classification: Likely pathogenic for Long QT syndrome. Last evaluated: 2025-11-11. Review status: criteria provided, single submitter. Criteria: Invitae Variant Classification Sherloc (09022015). Collection method: clinical testing. Allele origin: germline.
Comment: This sequence change replaces tyrosine, which is neutral and polar, with phenylalanine, which is neutral and non-polar, at codon 315 of the KCNQ1 protein (p.Tyr315Phe). This variant is not present in population databases (gnomAD no frequency). This missense change has been observed in individual(s) with long QT syndrome (PMID: 19841300). ClinVar contains an entry for this variant (Variation ID: 53141). Invitae Evidence Modeling of protein sequence and biophysical properties (such as structural, functional, and spatial information, amino acid conservation, physicochemical variation, residue mobility, and thermodynamic stability) has been performed for this missense variant. However, the output from this modeling did not meet the statistical confidence thresholds required to predict the impact of this variant on KCNQ1 protein function. This variant disrupts the p.Tyr315 amino acid residue in KCNQ1. Other variant(s) that disrupt this residue have been determined to be pathogenic (PMID: 11087258, 12702160, 18774102, 21451124, 24217263). This suggests that this residue is clinically significant, and that variants that disrupt this residue are likely to be disease-causing. In summary, the currently available evidence indicates that the variant is pathogenic, but additional data are needed to prove that conclusively. Therefore, this variant has been classified as Likely Pathogenic.

Cardiovascular Biomedical Research Unit, Royal Brompton & Harefield NHS Foundation Trust
No classification provided. Condition: Familial long QT syndrome. Review status: no classification provided. Collection method: literature only. Allele origin: germline. Not counted in ClinVar's aggregate classification.
Comment: This variant has been reported as associated with Long QT syndrome in the following publications (PMID:19841300). This is a literature report, and does not necessarily reflect the clinical interpretation of the Imperial College / Royal Brompton Cardiovascular Genetics laboratory.

Literature cited by the submitters: PubMed 19841300 (cited by Labcorp Genetics (formerly Invitae), Labcorp and Cardiovascular Biomedical Research Unit, Royal Brompton & Harefield NHS Foundation Trust); PubMed 11087258 (cited by Labcorp Genetics (formerly Invitae), Labcorp); PubMed 12702160 (cited by Labcorp Genetics (formerly Invitae), Labcorp); PubMed 18774102 (cited by Labcorp Genetics (formerly Invitae), Labcorp); PubMed 21451124 (cited by Labcorp Genetics (formerly Invitae), Labcorp); PubMed 24217263 (cited by Labcorp Genetics (formerly Invitae), Labcorp); PubMed 22581653 (cited by Cardiovascular Biomedical Research Unit, Royal Brompton & Harefield NHS Foundation Trust).

NM_000218.3(KCNQ1):c.944A>T (p.Tyr315Phe)

Gene: KCNQ1 (potassium voltage-gated channel subfamily Q member 1; plus strand). Cytogenetic location: 11p15.5.
Variant type: single nucleotide variant.
Coding change: c.944A>T on transcript NM_000218.3 (MANE Select); coding-DNA position 944, A replaced by T.
Protein change: p.Tyr315Phe; replaces tyrosine 315 with phenylalanine.
Molecular consequence: missense variant.
Genome position (GRCh38, 1-based): chr11:2,583,457, A>T. VCF-style: chr11-2583457-A-T. GRCh37 (hg19) VCF-style: chr11-2604687-A-T.
Other names: c.944A>T (LRG_287t1); c.944A>T, p.Tyr315Phe (NM_001406836.1); c.674A>T, p.Tyr225Phe (NM_001406837.1); c.500A>T, p.Tyr167Phe (NM_001406838.1); c.563A>T, p.Tyr188Phe (NM_181798.2); short protein forms Y315F, Y188F, Y167F, Y225F.
Identifiers: ClinVar variation 53141 (VCV000053141.6), dbSNP rs74462309, ClinGen allele CA008817.